The following is an entry in ClinVar:

NM_018191.4(RCBTB1):c.421A>G (p.Met141Val)

Gene: RCBTB1 (RCC1 and BTB domain containing protein 1; minus strand). Cytogenetic location: 13q14.2.
Variant type: single nucleotide variant.
Coding change: c.421A>G on transcript NM_018191.4 (MANE Select); coding-DNA position 421, A replaced by G.
Protein change: p.Met141Val; replaces methionine 141 with valine.
Molecular consequence: missense variant. On other transcripts: 5 prime UTR variant (1), non-coding transcript variant (2).
Genome position (GRCh38, 1-based): chr13:49,559,941, T>C on the plus strand (A>G on the coding strand, the complement: RCBTB1 is on the minus strand). VCF-style: chr13-49559941-T-C. GRCh37 (hg19) VCF-style: chr13-50134077-T-C.
Other names: c.421A>G, p.Met141Val (NM_001352500.2, NM_001352501.2, NM_001352502.2 and 3 more transcripts); c.-189A>G (NM_001352506.2); c.421A>G (NM_018191.3); short protein forms M141V.
Identifiers: ClinVar variation 1131571 (VCV001131571.12), dbSNP rs147650879, ClinGen allele CA6982894.
Genomic context (GRCh38, chr13:49,559,941, plus strand): 5'-AAAAAAAAAGAATAAAGAATAAAAGCAGCATACTTACCTCTCCATCAGCTGCCAGAGCCA[T>C]TGAATGATGTGAGCCACAAGCTACTTCCACCACTTGCTTGATCAAGAGATTGGTACAGAC-3'
Protein context (NP_060661.3, residues 131-151): VEVACGSHHS[Met141Val]ALAADGEVFA

ClinVar aggregate classification (germline): Benign/Likely benign. Review status: criteria provided, multiple submitters, no conflicts (2 of 4 stars). 4 submissions from 4 submitters: Benign (1); Likely benign (3). Last evaluated 2026-01-01.

Conditions:
RCBTB1-related disorder. Also called: RCBTB1-related condition.

Allele frequency attached by ClinVar (database versions not stated): gnomAD 0.00015 and 0.00016; ExAC 0.00021; TOPMed 0.00021; gnomAD exomes 0.00027 and 0.00031; ESP Exome Variant Server 0.00038.

Submissions (4):

Labcorp Genetics (formerly Invitae), Labcorp
Classification: Likely benign. Last evaluated: 2026-01-01. Review status: criteria provided, single submitter. Criteria: Invitae Variant Classification Sherloc (09022015). Collection method: clinical testing. Allele origin: germline.

PreventionGenetics, part of Exact Sciences
Classification: Likely benign for RCBTB1-related condition. Last evaluated: 2025-04-30. Review status: criteria provided, single submitter. Criteria: ACMG Guidelines, 2015. Collection method: clinical testing. Allele origin: germline.
Comment: This variant is classified as likely benign based on ACMG/AMP sequence variant interpretation guidelines (Richards et al. 2015 PMID: 25741868, with internal and published modifications).

Blueprint Genetics
Classification: Benign. Last evaluated: 2024-02-27. Review status: criteria provided, single submitter. Criteria: ACMG Guidelines, 2015. Collection method: clinical testing. Allele origin: germline.

Breakthrough Genomics
Classification: Likely benign. Review status: criteria provided, single submitter. Criteria: ACMG Guidelines, 2015. Collection method: not provided. Allele origin: germline. Inheritance: Autosomal recessive inheritance. Affected: yes.